The following is an entry in ClinVar:

ClinVar aggregate classification (germline): Uncertain significance. Review status: criteria provided, multiple submitters, no conflicts (2 of 4 stars). 2 submissions from 2 submitters: Uncertain significance (2). Last evaluated 2025-02-19.

Conditions:
Primary ciliary dyskinesia. Also called: Ciliary dyskinesia. Identifiers: Orphanet 244, MedGen C0008780, MONDO:0016575, HP:0012265.

Allele frequency attached by ClinVar (database versions not stated): TOPMed 0.00002; ExAC 0.00005; gnomAD exomes 0.00005.
gnomAD v4.1: 59 of 1,614,026 alleles (0.0037%); highest among the groups gnomAD compares: Admixed American, 0.005%; no homozygotes.

Submissions (2):

Ambry Genetics
Classification: Uncertain significance for Primary ciliary dyskinesia. Last evaluated: 2025-02-19. Review status: criteria provided, single submitter. Criteria: Ambry Variant Classification Scheme 2023. Collection method: clinical testing. Allele origin: germline.

Labcorp Genetics (formerly Invitae), Labcorp
Classification: Uncertain significance for Primary ciliary dyskinesia. Last evaluated: 2022-02-04. Review status: criteria provided, single submitter. Criteria: Invitae Variant Classification Sherloc (09022015). Collection method: clinical testing. Allele origin: germline.
Comment: This sequence change replaces valine, which is neutral and non-polar, with methionine, which is neutral and non-polar, at codon 616 of the CCDC114 protein (p.Val616Met). This variant is present in population databases (rs780679601, gnomAD 0.007%). This variant has not been reported in the literature in individuals affected with CCDC114-related conditions. ClinVar contains an entry for this variant (Variation ID: 454969). Algorithms developed to predict the effect of missense changes on protein structure and function output the following: SIFT: "Tolerated"; PolyPhen-2: "Benign"; Align-GVGD: "Class C0". The methionine amino acid residue is found in multiple mammalian species, which suggests that this missense change does not adversely affect protein function. In summary, the available evidence is currently insufficient to determine the role of this variant in disease. Therefore, it has been classified as a Variant of Uncertain Significance.

NM_001364171.2(ODAD1):c.1957G>A (p.Val653Met)

Gene: ODAD1 (outer dynein arm docking complex subunit 1; minus strand). Cytogenetic location: 19q13.33.
Variant type: single nucleotide variant.
Coding change: c.1957G>A on transcript NM_001364171.2 (MANE Select); coding-DNA position 1957, G replaced by A.
Protein change: p.Val653Met; replaces valine 653 with methionine.
Molecular consequence: missense variant.
Genome position (GRCh38, 1-based): chr19:48,297,143, C>T on the plus strand (G>A on the coding strand, the complement: ODAD1 is on the minus strand). VCF-style: chr19-48297143-C-T. GRCh37 (hg19) VCF-style: chr19-48800400-C-T.
Other names: c.1846G>A, p.Val616Met (NM_144577.4); short protein forms V616M, V653M.
Identifiers: ClinVar variation 454969 (VCV000454969.8), dbSNP rs780679601, ClinGen allele CA9548517.